The following is an entry in ClinVar:

NM_000051.4(ATM):c.6691_6692insCTTTT (p.Leu2231fs)

Genes: ATM (ATM serine/threonine kinase; plus strand), C11orf65 (chromosome 11 open reading frame 65; minus strand). Cytogenetic location: 11q22.3.
Variant type: Insertion.
Coding change: c.6691_6692insCTTTT on transcript NM_000051.4 (MANE Select); coding-DNA positions 6691 to 6692, CTTTT inserted.
Protein change: p.Leu2231fs; shifts the reading frame from leucine 2231.
Molecular consequence: frameshift variant. On other transcripts: intron variant (2).
Genome position: GRCh38 VCF-style: chr11-108325425-A-ATTTCT. GRCh37 (hg19) VCF-style: chr11-108196152-A-ATTTCT.
Other names: c.6691_6692insCTTTT, p.Leu2231fs (NM_001351834.2); c.641-16355_641-16354insAAAAG (NM_001330368.2); c.*38+9794_*38+9795insAAAAG (NM_001351110.2); short protein forms L2231fs.
Identifiers: ClinVar variation 1754913 (VCV001754913.2), dbSNP rs2547203424, ClinGen allele CA2580083054.

ClinVar aggregate classification (germline): Pathogenic (1 of 4 stars; one submission).

Conditions:
Hereditary cancer-predisposing syndrome. Also called: Hereditary neoplastic syndrome; Neoplastic Syndromes, Hereditary; Tumor predisposition; Hereditary Cancer Syndrome. Identifiers: Orphanet 140162, MedGen C0027672, MeSH D009386, MONDO:0015356.

Submission:

Ambry Genetics
Classification: Pathogenic for Hereditary cancer-predisposing syndrome. Last evaluated: 2020-01-13. Review status: criteria provided, single submitter. Criteria: Ambry Variant Classification Scheme 2023. Collection method: clinical testing. Allele origin: germline.
Comment: The c.6691_6692insCTTTT pathogenic mutation, located in coding exon 45 of the ATM gene, results from an insertion of 5 nucleotides at position 6691, causing a translational frameshift with a predicted alternate stop codon (p.L2231Sfs*6). This alteration is expected to result in loss of function by premature protein truncation or nonsense-mediated mRNA decay. As such, this alteration is interpreted as a disease-causing mutation.